The following is an entry in ClinVar:

NM_000128.4(F11):c.1202G>A (p.Trp401Ter)

Gene: F11 (coagulation factor XI; plus strand). Cytogenetic location: 4q35.2.
Variant type: single nucleotide variant.
Coding change: c.1202G>A on transcript NM_000128.4 (MANE Select); coding-DNA position 1202, G replaced by A.
Protein change: p.Trp401Ter; replaces tryptophan 401 with a stop codon.
Molecular consequence: nonsense.
Genome position (GRCh38, 1-based): chr4:186,284,158, G>A. VCF-style: chr4-186284158-G-A. GRCh37 (hg19) VCF-style: chr4-187205312-G-A.
Other names: c.1154G>A, p.Trp385Ter (NM_001440590.1, NM_001440596.1); c.1202G>A, p.Trp401Ter (NM_001440593.1); c.932G>A, p.Trp311Ter (NM_001440605.1, NM_001440607.1); c.884G>A, p.Trp295Ter (NM_001440606.1, NM_001440608.1); short protein forms W295*, W311*, W385*, W401*.
Identifiers: ClinVar variation 5015927 (VCV005015927.1).

ClinVar aggregate classification (germline): Pathogenic (1 of 4 stars; one submission).

Conditions:
Hereditary factor XI deficiency disease. Also called: PLASMA THROMBOPLASTIN ANTECEDENT DEFICIENCY; PTA DEFICIENCY; ROSENTHAL SYNDROME; Congenital factor XI deficiency. Identifiers: Orphanet 329, MedGen C0015523, MeSH D005173, MONDO:0012897, OMIM 612416.

Submission:

Myriad Genetics, Inc.
Classification: Pathogenic for Hereditary factor XI deficiency disease. Last evaluated: 2024-05-14. Review status: criteria provided, single submitter. Criteria: Myriad Autosomal Dominant, Autosomal Recessive and X-Linked Classification Criteria (2023). Collection method: clinical testing. Allele origin: unknown.
Comment: NM_000128.3(F11):c.1202G>A(W401*) is expected to be pathogenic in the context of factor XI deficiency. This variant is predicted to lead to an abnormal or absent protein product due to the creation of a premature termination codon in F11, a gene where loss-of-function variants are known to be pathogenic. Please note: this variant was assessed in the context of healthy population screening.